The following is an entry in ClinVar:

ClinVar aggregate classification (germline): Likely pathogenic. Review status: criteria provided, multiple submitters, no conflicts (2 of 4 stars). 3 submissions from 3 submitters: Likely pathogenic (3). Last evaluated 2025-10-24.

Conditions:
Cardiovascular phenotype. Identifiers: MedGen CN230736.
Hereditary cancer-predisposing syndrome. Also called: Hereditary Cancer Syndrome; Hereditary neoplastic syndrome; Neoplastic Syndromes, Hereditary; Tumor predisposition. Identifiers: Orphanet 140162, MedGen C0027672, MeSH D009386, MONDO:0015356.
Schwannomatosis. Identifiers: Orphanet 93921, MedGen C1335929, MeSH C536641, MONDO:0008075.

gnomAD v4.1: 4 of 1,611,888 alleles (0.00025%); highest among the groups gnomAD compares: South Asian, 0.0011%; no homozygotes.

Submissions (3):

Ambry Genetics
Classification: Likely pathogenic for Cardiovascular phenotype; Hereditary cancer-predisposing syndrome. Last evaluated: 2025-10-24. Review status: criteria provided, single submitter. Criteria: Ambry Variant Classification Scheme 2023. Collection method: clinical testing. Allele origin: germline.
Comment: The c.1353+1G>A intronic variant results from a G to A substitution one nucleotide after coding exon 12 of the LZTR1 gene. Alterations that disrupt the canonical splice site are expected to cause aberrant splicing. In silico splice site analysis predicts that this alteration will weaken the native splice donor site. RNA studies have demonstrated that this alteration results in abnormal splicing in the set of samples tested (Ambry internal data). This variant has been identified in an individual diagnosed with schwannomatosis (Smith MJ et al. Neurology, 2015 Jan;84:141-7). This nucleotide position is highly conserved in available vertebrate species. This variant is considered to be rare based on population cohorts in the Genome Aggregation Database (gnomAD). Loss-of-function variants in LZTR1 are related to an increased risk for schwannomas and autosomal recessive Noonan syndrome; however, such associations with autosomal dominant Noonan syndrome have not been observed (Piotrowski A et al. Nat Genet. 2014 Feb;46:182-7; Yamamoto GL et al. J Med Genet. 2015 Jun;52:413-21; Johnston JJ et al. Genet Med. 2018 10;20:1175-1185). Based on the supporting evidence, this variant is likely pathogenic for an increased risk of LZTR1-related schwannomatosis (SWN) and would be expected to cause autosomal recessive Noonan syndrome when present along with a second pathogenic or likely pathogenic variant on the other allele; however, the association of this alteration with autosomal dominant Noonan syndrome is unlikely.

Labcorp Genetics (formerly Invitae), Labcorp
Classification: Likely pathogenic. Last evaluated: 2025-06-09. Review status: criteria provided, single submitter. Criteria: Invitae Variant Classification Sherloc (09022015). Collection method: clinical testing. Allele origin: germline.
Comment: This sequence change affects a donor splice site in intron 12 of the LZTR1 gene. It is expected to disrupt RNA splicing. Variants that disrupt the donor or acceptor splice site typically lead to a loss of protein function (PMID: 16199547), and loss-of-function variants in LZTR1 are known to be pathogenic (PMID: 24362817, 25335493, 25480913, 25795793, 29469822, 30368668, 30442762, 30442766, 30481304, 30859559). This variant is not present in population databases (gnomAD no frequency). Disruption of this splice site has been observed in individual(s) with autosomal dominant schwannomatosis (PMID: 25480913). ClinVar contains an entry for this variant (Variation ID: 1770635). Algorithms developed to predict the effect of sequence changes on RNA splicing suggest that this variant may disrupt the consensus splice site. In summary, the currently available evidence indicates that the variant is pathogenic, but additional data are needed to prove that conclusively. Therefore, this variant has been classified as Likely Pathogenic.

Women's Health and Genetics/Laboratory Corporation of America, LabCorp
Classification: Likely pathogenic for Schwannomatosis. Last evaluated: 2025-01-24. Review status: criteria provided, single submitter. Criteria: LabCorp Variant Classification Summary - May 2015. Collection method: clinical testing. Allele origin: germline.
Comment: Variant summary: LZTR1 c.1353+1G>A is located in a canonical splice-site and is predicted to affect mRNA splicing resulting in a significantly altered protein due to either exon skipping, shortening, or inclusion of intronic material. Variants that disrupt the consensus splice site are a relatively common cause of aberrant splicing and loss of LZTR1 function. Several computational tools predict a significant impact on normal splicing: Four predict the variant abolishes a 5' splicing donor site. One predicts the variant weakens a cryptic 5' donor site and another predicts the variant strengthens a cryptic 5' donor site. However, these predictions have yet to be confirmed by functional studies. The variant was absent in 247420 control chromosomes (gnomAD). c.1353+1G>A has been reported in the literature in at least one individual affected with autosomal dominant schwannomatosis (example: Smith_2015). To our knowledge, no experimental evidence demonstrating an impact on protein function has been reported. The following publication has been ascertained in the context of this evaluation (PMID: 25480913). ClinVar contains an entry for this variant (Variation ID: 1770635). Germline loss of function mutations in LZTR1 have been reported to predispose to an inherited disorder of multiple schwannomas (Piotrowski_2014) and recessive Noonan syndrome (Johnston_2018). Based on the evidence outlined above, the variant was classified as likely pathogenic for the risk of multiple schwannomas and recessive Noonan syndrome.

Literature cited by the submitters: PubMed 25480913 (cited by 3 submitters); PubMed 16199547 (cited by Labcorp Genetics (formerly Invitae), Labcorp); PubMed 24362817 (cited by Labcorp Genetics (formerly Invitae), Labcorp); PubMed 25335493 (cited by Labcorp Genetics (formerly Invitae), Labcorp); PubMed 25795793 (cited by Labcorp Genetics (formerly Invitae), Labcorp); PubMed 29469822 (cited by Labcorp Genetics (formerly Invitae), Labcorp); PubMed 30368668 (cited by Labcorp Genetics (formerly Invitae), Labcorp); PubMed 30442762 (cited by Labcorp Genetics (formerly Invitae), Labcorp); PubMed 30442766 (cited by Labcorp Genetics (formerly Invitae), Labcorp); PubMed 30481304 (cited by Labcorp Genetics (formerly Invitae), Labcorp); PubMed 30859559 (cited by Labcorp Genetics (formerly Invitae), Labcorp).

NM_006767.4(LZTR1):c.1353+1G>A

Gene: LZTR1 (leucine zipper like post translational regulator 1; plus strand). Cytogenetic location: 22q11.21.
Variant type: single nucleotide variant.
Coding change: c.1353+1G>A on transcript NM_006767.4 (MANE Select); the canonical splice donor site of the intron after coding-DNA position 1353, G replaced by A.
Molecular consequence: splice donor variant.
Genome position (GRCh38, 1-based): chr22:20,993,755, G>A. VCF-style: chr22-20993755-G-A. GRCh37 (hg19) VCF-style: chr22-21348044-G-A.
Identifiers: ClinVar variation 1770635 (VCV001770635.9), dbSNP rs1170363408, ClinGen allele CA410774794.